The following is an entry in ClinVar:

NM_004260.4(RECQL4):c.1375T>C (p.Ser459Pro)

Gene: RECQL4 (RecQ like helicase 4; minus strand). Cytogenetic location: 8q24.3.
Variant type: single nucleotide variant.
Coding change: c.1375T>C on transcript NM_004260.4 (MANE Select); coding-DNA position 1375, T replaced by C.
Protein change: p.Ser459Pro; replaces serine 459 with proline.
Molecular consequence: missense variant.
Genome position (GRCh38, 1-based): chr8:144,515,341, A>G on the plus strand (T>C on the coding strand, the complement: RECQL4 is on the minus strand). VCF-style: chr8-144515341-A-G. GRCh37 (hg19) VCF-style: chr8-145740725-A-G.
Other names: short protein forms S459P.
Identifiers: ClinVar variation 847016 (VCV000847016.5), dbSNP rs1828003048, ClinGen allele CA372685346.

ClinVar aggregate classification (germline): Uncertain significance (1 of 4 stars; one submission).

Conditions:
Baller-Gerold syndrome (BGS). Also called: CRANIOSYNOSTOSIS WITH RADIAL DEFECTS. Identifiers: Orphanet 1225, MedGen C0265308, MONDO:0009039, OMIM 218600.

Submission:

Labcorp Genetics (formerly Invitae), Labcorp
Classification: Uncertain significance for Baller-Gerold syndrome. Last evaluated: 2019-05-15. Review status: criteria provided, single submitter. Criteria: Invitae Variant Classification Sherloc (09022015). Collection method: clinical testing. Allele origin: germline.
Comment: In summary, the available evidence is currently insufficient to determine the role of this variant in disease. Therefore, it has been classified as a Variant of Uncertain Significance. Algorithms developed to predict the effect of missense changes on protein structure and function are either unavailable or do not agree on the potential impact of this missense change (SIFT: "Tolerated"; PolyPhen-2: "Not Available"; Align-GVGD: "Class C0"). This variant has not been reported in the literature in individuals with RECQL4-related conditions. This variant is not present in population databases (ExAC no frequency). This sequence change replaces serine with proline at codon 459 of the RECQL4 protein (p.Ser459Pro). The serine residue is moderately conserved and there is a moderate physicochemical difference between serine and proline.